The following is an entry in ClinVar:

NM_001358921.2(COQ2):c.56C>T (p.Ala19Val)

Genes: COQ2 (coenzyme Q2, polyprenyltransferase; minus strand), LOC112997540 (Sharpr-MPRA regulatory region 13773; plus strand). Cytogenetic location: 4q21.23.
Variant type: single nucleotide variant.
Coding change: c.56C>T on transcript NM_001358921.2 (MANE Select); coding-DNA position 56, C replaced by T.
Protein change: p.Ala19Val; replaces alanine 19 with valine.
Molecular consequence: missense variant.
Genome position (GRCh38, 1-based): chr4:83,284,709, G>A on the plus strand (C>T on the coding strand, the complement: COQ2 is on the minus strand). VCF-style: chr4-83284709-G-A. GRCh37 (hg19) VCF-style: chr4-84205862-G-A.
Other names: c.206C>T, p.Ala69Val (NM_015697.9); short protein forms A19V, A69V.
Identifiers: ClinVar variation 1951212 (VCV001951212.5), dbSNP rs759042354, ClinGen allele CA2988685.

ClinVar aggregate classification (germline): Uncertain significance (1 of 4 stars; one submission).

Allele frequency attached by ClinVar (database versions not stated): gnomAD exomes below 0.00001; gnomAD 0.00001; TOPMed 0.00001.

Submission:

Labcorp Genetics (formerly Invitae), Labcorp
Classification: Uncertain significance. Last evaluated: 2022-01-26. Review status: criteria provided, single submitter. Criteria: Invitae Variant Classification Sherloc (09022015). Collection method: clinical testing. Allele origin: germline.
Comment: This sequence change replaces alanine, which is neutral and non-polar, with valine, which is neutral and non-polar, at codon 69 of the COQ2 protein (p.Ala69Val). This variant is not present in population databases (gnomAD no frequency). This variant has not been reported in the literature in individuals affected with COQ2-related conditions. Algorithms developed to predict the effect of missense changes on protein structure and function output the following: SIFT: "Tolerated"; PolyPhen-2: "Benign"; Align-GVGD: "Class C0". The valine amino acid residue is found in multiple mammalian species, which suggests that this missense change does not adversely affect protein function. Algorithms developed to predict the effect of sequence changes on RNA splicing suggest that this variant may create or strengthen a splice site. In summary, the available evidence is currently insufficient to determine the role of this variant in disease. Therefore, it has been classified as a Variant of Uncertain Significance.